The following is an entry in ClinVar:

NM_001032386.2(SUOX):c.595C>G (p.Pro199Ala)

Gene: SUOX (sulfite oxidase; plus strand). Cytogenetic location: 12q13.2.
Variant type: single nucleotide variant.
Coding change: c.595C>G on transcript NM_001032386.2 (MANE Select); coding-DNA position 595, C replaced by G.
Protein change: p.Pro199Ala; replaces proline 199 with alanine.
Molecular consequence: missense variant.
Genome position (GRCh38, 1-based): chr12:56,003,984, C>G. VCF-style: chr12-56003984-C-G. GRCh37 (hg19) VCF-style: chr12-56397768-C-G.
Other names: c.595C>G, p.Pro199Ala (NM_000456.3, NM_001032387.2); short protein forms P199A.
Identifiers: ClinVar variation 1063699 (VCV001063699.5), dbSNP rs1383470467, ClinGen allele CA385285072.
Genomic context (GRCh38, chr12:56,003,984, plus strand): 5'-GATCCTGTACGTCACCCAGCCCTGAAGGTCAACAGCCAGCGGCCCTTTAATGCAGAGCCT[C>G]CCCCTGAGCTGCTGACAGAAAACTACATCACACCCAACCCTATCTTCTTCACCCGGAACC-3'
Protein context (NP_001027558.1, residues 189-209): NSQRPFNAEP[Pro199Ala]PELLTENYIT

ClinVar aggregate classification (germline): Uncertain significance (1 of 4 stars; one submission).

Conditions:
Sulfite oxidase deficiency. Also called: Isolated sulfite oxidase deficiency. Identifiers: Orphanet 833, Orphanet 99731, MedGen C0268624, MONDO:0010089, OMIM 272300, HP:0003643.

Allele frequency attached by ClinVar (database versions not stated): gnomAD 0.00001; TOPMed 0.00002.
gnomAD v4.1: 3 of 1,614,024 alleles (0.00019%); highest among the groups gnomAD compares: Non-Finnish European, 0.00025%; no homozygotes.

Submission:

Labcorp Genetics (formerly Invitae), Labcorp
Classification: Uncertain significance for Sulfite oxidase deficiency. Last evaluated: 2022-07-22. Review status: criteria provided, single submitter. Criteria: Invitae Variant Classification Sherloc (09022015). Collection method: clinical testing. Allele origin: germline.
Comment: This sequence change replaces proline, which is neutral and non-polar, with alanine, which is neutral and non-polar, at codon 199 of the SUOX protein (p.Pro199Ala). This variant is present in population databases (no rsID available, gnomAD 0.007%). This variant has not been reported in the literature in individuals affected with SUOX-related conditions. ClinVar contains an entry for this variant (Variation ID: 1063699). Algorithms developed to predict the effect of missense changes on protein structure and function are either unavailable or do not agree on the potential impact of this missense change (SIFT: "Deleterious"; PolyPhen-2: "Benign"; Align-GVGD: "Class C25"). In summary, the available evidence is currently insufficient to determine the role of this variant in disease. Therefore, it has been classified as a Variant of Uncertain Significance.